The following is an entry in ClinVar:

NM_003839.4(TNFRSF11A):c.1193G>A (p.Gly398Asp)

Gene: TNFRSF11A (TNF receptor superfamily member 11a; plus strand). Cytogenetic location: 18q21.33.
Variant type: single nucleotide variant.
Coding change: c.1193G>A on transcript NM_003839.4 (MANE Select); coding-DNA position 1193, G replaced by A.
Protein change: p.Gly398Asp; replaces glycine 398 with aspartic acid.
Molecular consequence: missense variant. On other transcripts: intron variant (3).
Genome position (GRCh38, 1-based): chr18:62,369,110, G>A. VCF-style: chr18-62369110-G-A. GRCh37 (hg19) VCF-style: chr18-60036343-G-A.
Other names: c.1151G>A, p.Gly384Asp (NM_001278268.2); c.783+2350G>A (NM_001270949.2); c.730+7317G>A (NM_001270950.2); c.616+9061G>A (NM_001270951.2); short protein forms G384D, G398D.
Identifiers: ClinVar variation 1306451 (VCV001306451.7), dbSNP rs752736052, ClinGen allele CA8983934.

ClinVar aggregate classification (germline): Uncertain significance. Review status: criteria provided, multiple submitters, no conflicts (2 of 4 stars). 2 submissions from 2 submitters: Uncertain significance (2). Last evaluated 2025-12-09.

Allele frequency attached by ClinVar (database versions not stated): gnomAD exomes below 0.00001; ExAC 0.00001; TOPMed 0.00001; gnomAD 0.00002.

Submissions (2):

GeneDx
Classification: Uncertain significance. Last evaluated: 2025-12-09. Review status: criteria provided, single submitter. Criteria: GeneDx Variant Classification Process June 2021. Collection method: clinical testing. Allele origin: germline. Affected: yes.
Comment: Not observed at significant frequency in large population cohorts (gnomAD); In silico analysis suggests that this missense variant does not alter protein structure/function; Has not been previously published as pathogenic or benign to our knowledge

Labcorp Genetics (formerly Invitae), Labcorp
Classification: Uncertain significance. Last evaluated: 2025-11-03. Review status: criteria provided, single submitter. Criteria: Invitae Variant Classification Sherloc (09022015). Collection method: clinical testing. Allele origin: germline.
Comment: This sequence change replaces glycine, which is neutral and non-polar, with aspartic acid, which is acidic and polar, at codon 398 of the TNFRSF11A protein (p.Gly398Asp). This variant is present in population databases (rs752736052, gnomAD 0.002%). This variant has not been reported in the literature in individuals affected with TNFRSF11A-related conditions. ClinVar contains an entry for this variant (Variation ID: 1306451). An algorithm developed to predict the effect of missense changes on protein structure and function outputs the following: PolyPhen-2: "Benign". The aspartic acid amino acid residue is found in multiple mammalian species, which suggests that this missense change does not adversely affect protein function. In summary, the available evidence is currently insufficient to determine the role of this variant in disease. Therefore, it has been classified as a Variant of Uncertain Significance.